The following is an entry in ClinVar:

ClinVar aggregate classification (germline): Uncertain significance (1 of 4 stars; one submission).

Conditions:
Ullrich congenital muscular dystrophy 2 (UCMD2). Identifiers: Orphanet 75840, MedGen C4225314, MONDO:0014654, OMIM 616470.
Bethlem myopathy 2 (BTHLM2). Identifiers: Orphanet 536516, Orphanet 610, MedGen C4225313, MONDO:0034022, OMIM 616471.

Allele frequency attached by ClinVar (database versions not stated): TOPMed below 0.00001.
gnomAD v4.1: 3 of 1,534,102 alleles (0.0002%); highest among the groups gnomAD compares: Non-Finnish European, 0.00026%; no homozygotes.

Submission:

Labcorp Genetics (formerly Invitae), Labcorp
Classification: Uncertain significance for Bethlem myopathy 2; Ullrich congenital muscular dystrophy 2. Last evaluated: 2020-03-12. Review status: criteria provided, single submitter. Criteria: Invitae Variant Classification Sherloc (09022015). Collection method: clinical testing. Allele origin: germline.
Comment: This sequence change replaces proline with leucine at codon 2614 of the COL12A1 protein (p.Pro2614Leu). The proline residue is highly conserved and there is a moderate physicochemical difference between proline and leucine. This variant is not present in population databases (ExAC no frequency). This variant has not been reported in the literature in individuals with COL12A1-related conditions. Algorithms developed to predict the effect of missense changes on protein structure and function (SIFT, PolyPhen-2, Align-GVGD) all suggest that this variant is likely to be disruptive, but these predictions have not been confirmed by published functional studies and their clinical significance is uncertain. In summary, the available evidence is currently insufficient to determine the role of this variant in disease. Therefore, it has been classified as a Variant of Uncertain Significance.

NM_004370.6(COL12A1):c.7841C>T (p.Pro2614Leu)

Gene: COL12A1 (collagen type XII alpha 1 chain; minus strand). Cytogenetic location: 6q13.
Variant type: single nucleotide variant.
Coding change: c.7841C>T on transcript NM_004370.6 (MANE Select); coding-DNA position 7841, C replaced by T.
Protein change: p.Pro2614Leu; replaces proline 2614 with leucine.
Molecular consequence: missense variant.
Genome position (GRCh38, 1-based): chr6:75,113,313, G>A on the plus strand (C>T on the coding strand, the complement: COL12A1 is on the minus strand). VCF-style: chr6-75113313-G-A. GRCh37 (hg19) VCF-style: chr6-75823029-G-A.
Other names: c.4349C>T, p.Pro1450Leu (NM_080645.3); short protein forms P1450L, P2614L.
Identifiers: ClinVar variation 1051420 (VCV001051420.9), dbSNP rs1194345062, ClinGen allele CA364743978.